The following is an entry in ClinVar:

NM_002661.5(PLCG2):c.648+6A>G

Gene: PLCG2 (phospholipase C gamma 2; plus strand). Cytogenetic location: 16q23.3.
Variant type: single nucleotide variant.
Coding change: c.648+6A>G on transcript NM_002661.5 (MANE Select); 6 bases into the intron after coding-DNA position 648, A replaced by G.
Molecular consequence: intron variant.
Genome position (GRCh38, 1-based): chr16:81,870,941, A>G. VCF-style: chr16-81870941-A-G. GRCh37 (hg19) VCF-style: chr16-81904546-A-G.
Identifiers: ClinVar variation 2794133 (VCV002794133.3), dbSNP rs2507557631, ClinGen allele CA2634518714.
Genomic context (GRCh38, chr16:81,870,941, plus strand): 5'-CTTTGAACAGTTCCATCTCTTCTATAAAAAACTTATGTTTGAACAGCAAAAATCGGTAAG[A>G]TGATTCTTGAGCAAGTGATCAAGTGATGTTTCTGTTTTCCATGTATTTCCAAGTCTGGCA-3'

ClinVar aggregate classification (germline): Uncertain significance (1 of 4 stars; one submission).

Conditions:
Familial cold autoinflammatory syndrome 3 (FCAS3). Also called: FAMILIAL ATYPICAL COLD URTICARIA; ANTIBODY DEFICIENCY AND IMMUNE DYSREGULATION, PLCG2-ASSOCIATED. Identifiers: Orphanet 300359, MedGen C3280914, MONDO:0013766, OMIM 614468.

Allele frequency attached by ClinVar (database versions not stated): gnomAD exomes below 0.00001.
gnomAD v4.1: 2 of 1,491,900 alleles (0.00013%); highest among the groups gnomAD compares: Non-Finnish European, 0.00019%; no homozygotes.

Submission:

Labcorp Genetics (formerly Invitae), Labcorp
Classification: Uncertain significance for Familial cold autoinflammatory syndrome 3. Last evaluated: 2022-12-03. Review status: criteria provided, single submitter. Criteria: Invitae Variant Classification Sherloc (09022015). Collection method: clinical testing. Allele origin: germline.
Comment: This variant has not been reported in the literature in individuals affected with PLCG2-related conditions. This sequence change falls in intron 7 of the PLCG2 gene. It does not directly change the encoded amino acid sequence of the PLCG2 protein. It affects a nucleotide within the consensus splice site. This variant is not present in population databases (gnomAD no frequency). Variants that disrupt the consensus splice site are a relatively common cause of aberrant splicing (PMID: 17576681, 9536098). Algorithms developed to predict the effect of sequence changes on RNA splicing suggest that this variant is not likely to affect RNA splicing. In summary, the available evidence is currently insufficient to determine the role of this variant in disease. Therefore, it has been classified as a Variant of Uncertain Significance.

Literature cited by the submitters: PubMed 17576681; PubMed 9536098.